The following is an entry in ClinVar:

NM_002497.4(NEK2):c.610T>C (p.Cys204Arg)

Gene: NEK2 (NIMA related kinase 2; minus strand). Cytogenetic location: 1q32.3.
Variant type: single nucleotide variant.
Coding change: c.610T>C on transcript NM_002497.4 (MANE Select); coding-DNA position 610, T replaced by C.
Protein change: p.Cys204Arg; replaces cysteine 204 with arginine.
Molecular consequence: missense variant.
Genome position (GRCh38, 1-based): chr1:211,671,230, A>G on the plus strand (T>C on the coding strand, the complement: NEK2 is on the minus strand). VCF-style: chr1-211671230-A-G. GRCh37 (hg19) VCF-style: chr1-211844572-A-G.
Other names: c.610T>C, p.Cys204Arg (NM_001204182.2, NM_001204183.2); short protein forms C204R.
Identifiers: ClinVar variation 1469479 (VCV001469479.6), dbSNP rs2102445251, ClinGen allele CA344780965.

ClinVar aggregate classification (germline): Uncertain significance (1 of 4 stars; one submission).

Allele frequency attached by ClinVar (database versions not stated): gnomAD exomes below 0.00001.
gnomAD v4.1: 2 of 1,613,568 alleles (0.00012%); highest among the groups gnomAD compares: Non-Finnish European, 0.00017%; no homozygotes.

Submission:

Labcorp Genetics (formerly Invitae), Labcorp
Classification: Uncertain significance. Last evaluated: 2023-11-27. Review status: criteria provided, single submitter. Criteria: Invitae Variant Classification Sherloc (09022015). Collection method: clinical testing. Allele origin: germline.
Comment: This sequence change replaces cysteine, which is neutral and slightly polar, with arginine, which is basic and polar, at codon 204 of the NEK2 protein (p.Cys204Arg). This variant is not present in population databases (gnomAD no frequency). This variant has not been reported in the literature in individuals affected with NEK2-related conditions. ClinVar contains an entry for this variant (Variation ID: 1469479). An algorithm developed to predict the effect of missense changes on protein structure and function (PolyPhen-2) suggests that this variant is likely to be disruptive. In summary, the available evidence is currently insufficient to determine the role of this variant in disease. Therefore, it has been classified as a Variant of Uncertain Significance.